The following is an entry in ClinVar:

NM_001166.5(BIRC2):c.1546A>G (p.Lys516Glu)

Gene: BIRC2 (baculoviral IAP repeat containing 2; plus strand). Cytogenetic location: 11q22.2.
Variant type: single nucleotide variant.
Coding change: c.1546A>G on transcript NM_001166.5 (MANE Select); coding-DNA position 1546, A replaced by G.
Protein change: p.Lys516Glu; replaces lysine 516 with glutamic acid.
Molecular consequence: missense variant.
Genome position (GRCh38, 1-based): chr11:102,377,675, A>G. VCF-style: chr11-102377675-A-G. GRCh37 (hg19) VCF-style: chr11-102248406-A-G.
Other names: c.1546A>G, p.Lys516Glu (NM_001256163.1); c.1399A>G, p.Lys467Glu (NM_001256166.2); short protein forms K467E, K516E.
Identifiers: ClinVar variation 3044936 (VCV003044936.2), dbSNP rs61754131, ClinGen allele CA6247341.

ClinVar aggregate classification (germline): Likely benign (0 of 4 stars; one submission).

Conditions:
BIRC2-related disorder. Also called: BIRC2-related condition.

Allele frequency attached by ClinVar (database versions not stated): 1000 Genomes Project 30x 0.00031; 1000 Genomes Project 0.00040; ESP Exome Variant Server 0.00115; ExAC 0.00127; TOPMed 0.00133; gnomAD 0.00143; gnomAD exomes 0.00186.
gnomAD v4.1: 2,949 of 1,611,734 alleles (0.18%); highest among the groups gnomAD compares: Non-Finnish European, 0.21%; 2 homozygotes.

Submission:

PreventionGenetics, part of Exact Sciences
Classification: Likely benign for BIRC2-related condition. Last evaluated: 2022-05-09. Review status: no assertion criteria provided. Collection method: clinical testing. Allele origin: germline.
Comment: This variant is classified as likely benign based on ACMG/AMP sequence variant interpretation guidelines (Richards et al. 2015 PMID: 25741868, with internal and published modifications).